The following is an entry in ClinVar:

NM_145045.5(ODAD3):c.1342G>A (p.Ala448Thr)

Gene: ODAD3 (outer dynein arm docking complex subunit 3; minus strand). Cytogenetic location: 19p13.2.
Variant type: single nucleotide variant.
Coding change: c.1342G>A on transcript NM_145045.5 (MANE Select); coding-DNA position 1342, G replaced by A.
Protein change: p.Ala448Thr; replaces alanine 448 with threonine.
Molecular consequence: missense variant.
Genome position (GRCh38, 1-based): chr19:11,422,563, C>T on the plus strand (G>A on the coding strand, the complement: ODAD3 is on the minus strand). VCF-style: chr19-11422563-C-T. GRCh37 (hg19) VCF-style: chr19-11533231-C-T.
Other names: c.1180G>A, p.Ala394Thr (NM_001302453.1); c.1162G>A, p.Ala388Thr (NM_001302454.2); short protein forms A388T, A394T, A448T.
Identifiers: ClinVar variation 1682763 (VCV001682763.6), dbSNP rs1230254847, ClinGen allele CA404119728.

ClinVar aggregate classification (germline): Uncertain significance (1 of 4 stars; one submission).

Conditions:
Primary ciliary dyskinesia 30. Also called: CILIARY DYSKINESIA, PRIMARY, 30, WITH OR WITHOUT SITUS INVERSUS. Identifiers: Orphanet 244, MedGen C4015016, MONDO:0014465, OMIM 616037.

Allele frequency attached by ClinVar (database versions not stated): gnomAD 0.00001; TOPMed 0.00001.

Submission:

Labcorp Genetics (formerly Invitae), Labcorp
Classification: Uncertain significance for Primary ciliary dyskinesia 30. Last evaluated: 2021-09-25. Review status: criteria provided, single submitter. Criteria: Invitae Variant Classification Sherloc (09022015). Collection method: clinical testing. Allele origin: germline.
Comment: In summary, the available evidence is currently insufficient to determine the role of this variant in disease. Therefore, it has been classified as a Variant of Uncertain Significance. Algorithms developed to predict the effect of missense changes on protein structure and function output the following: SIFT: "Tolerated"; PolyPhen-2: "Benign"; Align-GVGD: "Class C0". The threonine amino acid residue is found in multiple mammalian species, which suggests that this missense change does not adversely affect protein function. This variant has not been reported in the literature in individuals affected with CCDC151-related conditions. This variant is not present in population databases (ExAC no frequency). This sequence change replaces alanine with threonine at codon 448 of the CCDC151 protein (p.Ala448Thr). The alanine residue is weakly conserved and there is a small physicochemical difference between alanine and threonine.